The following is an entry in ClinVar:

NC_000011.10:g.8038958C>T

Gene: TUB (TUB bipartite transcription factor; plus strand). Cytogenetic location: 11p15.4.
Variant type: single nucleotide variant.
Molecular consequence: missense variant (on NM_003320.5). On other transcripts: intron variant (4).
Genome position: GRCh38 VCF-style: chr11-8038958-C-T. GRCh37 (hg19) VCF-style: chr11-8060505-C-T.
Other names: c.85C>T, p.Pro29Ser (NM_003320.5); c.56+19600C>T (NM_001440538.1, NM_001440539.1, NM_001440540.1 and 1 more transcripts); short protein forms P29S.
Identifiers: ClinVar variation 1355394 (VCV001355394.8), dbSNP rs2133727717, ClinGen allele CA379566024.

ClinVar aggregate classification (germline): Uncertain significance (1 of 4 stars; one submission).

Submission:

Labcorp Genetics (formerly Invitae), Labcorp
Classification: Uncertain significance. Last evaluated: 2021-05-19. Review status: criteria provided, single submitter. Criteria: Invitae Variant Classification Sherloc (09022015). Collection method: clinical testing. Allele origin: germline.
Comment: This sequence change replaces proline with serine at codon 29 of the TUB protein (p.Pro29Ser). The proline residue is weakly conserved and there is a moderate physicochemical difference between proline and serine. This variant is not present in population databases (ExAC no frequency). This variant has not been reported in the literature in individuals with TUB-related conditions. Algorithms developed to predict the effect of missense changes on protein structure and function (SIFT, PolyPhen-2, Align-GVGD) all suggest that this variant is likely to be tolerated, but these predictions have not been confirmed by published functional studies and their clinical significance is uncertain. In summary, the available evidence is currently insufficient to determine the role of this variant in disease. Therefore, it has been classified as a Variant of Uncertain Significance.